The following is an entry in ClinVar:

ClinVar aggregate classification (germline): Conflicting classifications of pathogenicity. Review status: criteria provided, conflicting classifications (1 of 4 stars). 3 submissions from 3 submitters: Uncertain significance (1); Likely benign (2). Last evaluated 2026-09-01.

Allele frequency attached by ClinVar (database versions not stated): ExAC 0.00240; ESP Exome Variant Server 0.00351; gnomAD exomes 0.00504; 1000 Genomes Project 0.00120; 1000 Genomes Project 30x 0.00125; gnomAD 0.00289.
gnomAD v4.1: 7,716 of 1,613,846 alleles (0.48%); highest among the groups gnomAD compares: Non-Finnish European, 0.61%; 22 homozygotes.

Submissions (3):

CeGaT Center for Human Genetics Tuebingen
Classification: Likely benign. Last evaluated: 2026-09-01. Review status: criteria provided, single submitter. Criteria: CeGaT Center For Human Genetics Tuebingen Variant Classification Criteria Version 2. Collection method: clinical testing. Allele origin: germline. Affected: yes. Observed: 27 variant alleles.
Comment: ENTPD1: BP4, BP7, BS2

Blueprint Genetics
Classification: Likely benign. Last evaluated: 2024-11-27. Review status: criteria provided, single submitter. Criteria: ACMG Guidelines, 2015. Collection method: clinical testing. Allele origin: germline.

Institute for Clinical Genetics, University Hospital TU Dresden, University Hospital TU Dresden
Classification: Uncertain significance. Last evaluated: 2023-07-05. Review status: criteria provided, single submitter. Criteria: ACMG Guidelines, 2015. Collection method: clinical testing. Allele origin: maternal.

NM_001098175.2(ENTPD1):c.33G>A (p.Gln11=)

Gene: ENTPD1 (ectonucleoside triphosphate diphosphohydrolase 1; plus strand). Cytogenetic location: 10q24.1.
Variant type: single nucleotide variant.
Coding change: c.33G>A on transcript NM_001098175.2; coding-DNA position 33, G replaced by A.
Protein change: p.Gln11=; no amino-acid change (glutamine 11 retained).
Molecular consequence: synonymous variant.
Genome position (GRCh38, 1-based): chr10:95,711,989, G>A. VCF-style: chr10-95711989-G-A. GRCh37 (hg19) VCF-style: chr10-97471746-G-A.
Other names: c.33G>A, p.Gln11= (NM_001440933.1, NM_001440934.1).
Identifiers: ClinVar variation 2498467 (VCV002498467.27), dbSNP rs200247284, ClinGen allele CA5621236.